The following is an entry in ClinVar:

NM_007118.4(TRIO):c.8926T>G (p.Trp2976Gly)

Gene: TRIO (trio Rho guanine nucleotide exchange factor; plus strand). Cytogenetic location: 5p15.2.
Variant type: single nucleotide variant.
Coding change: c.8926T>G on transcript NM_007118.4 (MANE Select); coding-DNA position 8926, T replaced by G.
Protein change: p.Trp2976Gly; replaces tryptophan 2976 with glycine.
Molecular consequence: missense variant. On other transcripts: non-coding transcript variant (1).
Genome position (GRCh38, 1-based): chr5:14,508,054, T>G. VCF-style: chr5-14508054-T-G. GRCh37 (hg19) VCF-style: chr5-14508163-T-G.
Other names: short protein forms W2976G.
Identifiers: ClinVar variation 3367563 (VCV003367563.1).
Genomic context (GRCh38, chr5:14,508,054, plus strand): 5'-CCTGAATTCGCAGCCCCTGAAATCATCCTCGGGAACCCTGTCTCCCTGACCTCGGATACG[T>G]GGAGTGTTGGAGTGCTCACATACGTACTTCTTAGTGGCGTGTCCCCCTTCCTGGATGACA-3'
Protein context (NP_009049.2, residues 2966-2986): GNPVSLTSDT[Trp2976Gly]SVGVLTYVLL

ClinVar aggregate classification (germline): Uncertain significance (1 of 4 stars; one submission).

gnomAD v4.1: 1 of 1,614,162 alleles (0.000062%); highest among the groups gnomAD compares: Non-Finnish European, 0.000085%; no homozygotes.

Submission:

GeneDx
Classification: Uncertain significance. Last evaluated: 2024-01-05. Review status: criteria provided, single submitter. Criteria: GeneDx Variant Classification Process June 2021. Collection method: clinical testing. Allele origin: germline. Affected: yes.
Comment: Not observed at significant frequency in large population cohorts (gnomAD); In silico analysis supports that this missense variant has a deleterious effect on protein structure/function; Has not been previously published as pathogenic or benign to our knowledge